The following is an entry in ClinVar:

ClinVar aggregate classification (germline): Uncertain significance (1 of 4 stars; one submission).

Submission:

GeneDx
Classification: Uncertain significance. Last evaluated: 2019-12-05. Review status: criteria provided, single submitter. Criteria: GeneDx Variant Classification Process June 2021. Collection method: clinical testing. Allele origin: germline. Affected: yes.
Comment: Not observed in large population cohorts (Lek et al., 2016); In silico analysis, which includes protein predictors and evolutionary conservation, supports a deleterious effect; Has not been previously published as pathogenic or benign to our knowledge

NM_170606.3(KMT2C):c.3266T>C (p.Val1089Ala)

Gene: KMT2C (lysine methyltransferase 2C; minus strand). Cytogenetic location: 7q36.1.
Variant type: single nucleotide variant.
Coding change: c.3266T>C on transcript NM_170606.3 (MANE Select); coding-DNA position 3266, T replaced by C.
Protein change: p.Val1089Ala; replaces valine 1089 with alanine.
Molecular consequence: missense variant.
Genome position (GRCh38, 1-based): chr7:152,224,072, A>G on the plus strand (T>C on the coding strand, the complement: KMT2C is on the minus strand). VCF-style: chr7-152224072-A-G. GRCh37 (hg19) VCF-style: chr7-151921157-A-G.
Other names: short protein forms V1089A.
Identifiers: ClinVar variation 1310856 (VCV001310856.2), dbSNP rs2129147767, ClinGen allele CA370109863.